The following is an entry in ClinVar:

ClinVar aggregate classification (germline): Uncertain significance. Review status: criteria provided, multiple submitters, no conflicts (2 of 4 stars). 3 submissions from 3 submitters: Uncertain significance (2). 1 of the submissions does not count toward it. Last evaluated 2026-05-24.

Conditions:
Aspartylglucosaminuria (AGU). Also called: Aspartylglucos-aminuria; Aspartylglucos-amidase (AGA) deficiency; GLYCOASPARAGINASE; GLYCOSYLASPARAGINASE DEFICIENCY; AGA DEFICIENCY. Identifiers: Orphanet 93, MedGen C0268225, MONDO:0008830, OMIM 208400, HP:0012068.

Submissions (3):

GeneDx
Classification: Uncertain significance. Last evaluated: 2026-05-24. Review status: criteria provided, single submitter. Criteria: GeneDx Variant Classification Process June 2021. Collection method: clinical testing. Allele origin: germline.
Comment: Not observed at significant frequency in large population cohorts (gnomAD); In-frame deletion of 1 amino acid in a non-repeat region; In silico analysis supports a deleterious effect on protein structure/function; Has not been previously published as pathogenic or benign to our knowledge

Labcorp Genetics (formerly Invitae), Labcorp
Classification: Uncertain significance for Aspartylglucosaminuria. Last evaluated: 2022-08-16. Review status: criteria provided, single submitter. Criteria: Invitae Variant Classification Sherloc (09022015). Collection method: clinical testing. Allele origin: germline.
Comment: This variant, c.836_838del, results in the deletion of 1 amino acid(s) of the AGA protein (p.Gly279del), but otherwise preserves the integrity of the reading frame. This variant is present in population databases (rs764622951, gnomAD 0.003%). This variant has not been reported in the literature in individuals affected with AGA-related conditions. Experimental studies and prediction algorithms are not available or were not evaluated, and the functional significance of this variant is currently unknown. In summary, the available evidence is currently insufficient to determine the role of this variant in disease. Therefore, it has been classified as a Variant of Uncertain Significance.

Natera, Inc.
Classification: Uncertain significance for Aspartylglucosaminuria. Last evaluated: 2020-04-16. Review status: no assertion criteria provided. Collection method: clinical testing. Allele origin: germline. Not counted in ClinVar's aggregate classification.

NM_000027.4(AGA):c.833GAG[1] (p.Gly279del)

Gene: AGA (aspartylglucosaminidase; minus strand). Cytogenetic location: 4q34.3.
Variant type: Microsatellite.
Coding change: c.833GAG[1] on transcript NM_000027.4 (MANE Select); one copy of the 3-base unit GAG starting at c.833; the reference has two copies in a row; one copy, 3 bases deleted.
Protein change: p.Gly279del; deletes glycine 279.
Molecular consequence: inframe deletion. On other transcripts: non-coding transcript variant (1).
Genome position (GRCh38, 1-based): chr4:177,433,316-177,433,318, CTC deleted on the plus strand (GAG on the coding strand, the reverse complement: AGA is on the minus strand); deleting any 3 consecutive bases within chr4:177,433,316-177,433,321 gives the same sequence; the position shown is the placement nearest the transcript's 3' end. VCF-style (leftmost placement, unchanged base first): chr4-177433315-TCTC-T. GRCh37 (hg19) VCF-style: chr4-178354469-TCTC-T.
Other names: c.836_838delGAG (NM_000027.4); c.803GAG[1], p.Gly269del (NM_001171988.2); short protein forms G269del, G279del.
Identifiers: ClinVar variation 991945 (VCV000991945.6), dbSNP rs764622951, ClinGen allele CA3146776.